The following is an entry in ClinVar:

NM_015122.3(FCHO1):c.97C>G (p.Leu33Val)

Gene: FCHO1 (FCH and mu domain containing endocytic adaptor 1; plus strand). Cytogenetic location: 19p13.11.
Variant type: single nucleotide variant.
Coding change: c.97C>G on transcript NM_015122.3 (MANE Select); coding-DNA position 97, C replaced by G.
Protein change: p.Leu33Val; replaces leucine 33 with valine.
Molecular consequence: missense variant. On other transcripts: 5 prime UTR variant (6), non-coding transcript variant (36).
Genome position (GRCh38, 1-based): chr19:17,762,831, C>G. VCF-style: chr19-17762831-C-G. GRCh37 (hg19) VCF-style: chr19-17873640-C-G.
Other names: c.97C>G, p.Leu33Val (NM_001161357.2, NM_001161358.2, NM_001384370.1 and 30 more transcripts); c.-54C>G (NM_001161359.2, NM_001384384.1, NM_001384385.1 and 3 more transcripts); c.97C>G (NM_001161357.1); short protein forms L33V.
Identifiers: ClinVar variation 1345534 (VCV001345534.5), dbSNP rs771754784, ClinGen allele CA9299960.
Genomic context (GRCh38, chr19:17,762,831, plus strand): 5'-AATCATGGCTTTGAGGTCCTGTACCACAGCGTGAAGCAGGGGCCCATCTCCACCAAGGAG[C>G]TGGCGGACTTCATCCGGGAGAGGTGAGGTCCCCAAGCCCCATCCACCAGAGGCCACGCCC-3'
Protein context (NP_055937.1, residues 23-43): VKQGPISTKE[Leu33Val]ADFIRERATI

ClinVar aggregate classification (germline): Uncertain significance. Review status: criteria provided, multiple submitters, no conflicts (2 of 4 stars). 2 submissions from 2 submitters: Uncertain significance (2). Last evaluated 2025-02-20.

Allele frequency attached by ClinVar (database versions not stated): gnomAD 0.00001; gnomAD exomes 0.00001 and 0.00004; TOPMed 0.00001; ExAC 0.00002.

Submissions (2):

Ambry Genetics
Classification: Uncertain significance. Last evaluated: 2025-02-20. Review status: criteria provided, single submitter. Criteria: Ambry Variant Classification Scheme 2023. Collection method: clinical testing. Allele origin: germline.

Labcorp Genetics (formerly Invitae), Labcorp
Classification: Uncertain significance. Last evaluated: 2022-09-21. Review status: criteria provided, single submitter. Criteria: Invitae Variant Classification Sherloc (09022015). Collection method: clinical testing. Allele origin: germline.
Comment: In summary, the available evidence is currently insufficient to determine the role of this variant in disease. Therefore, it has been classified as a Variant of Uncertain Significance. Algorithms developed to predict the effect of sequence changes on RNA splicing suggest that this variant may create or strengthen a splice site. Algorithms developed to predict the effect of missense changes on protein structure and function are either unavailable or do not agree on the potential impact of this missense change (SIFT: "Tolerated"; PolyPhen-2: "Probably Damaging"; Align-GVGD: "Class C0"). This variant has not been reported in the literature in individuals affected with FCHO1-related conditions. This variant is present in population databases (rs771754784, gnomAD 0.02%). This sequence change replaces leucine, which is neutral and non-polar, with valine, which is neutral and non-polar, at codon 33 of the FCHO1 protein (p.Leu33Val).